The following is an entry in ClinVar:

ClinVar aggregate classification (germline): Uncertain significance (1 of 4 stars; one submission).

gnomAD v4.1: 11 of 1,612,840 alleles (0.00068%); highest among the groups gnomAD compares: East Asian, 0.025%; no homozygotes.

Submission:

Women's Health and Genetics/Laboratory Corporation of America, LabCorp
Classification: Uncertain significance. Last evaluated: 2025-10-14. Review status: criteria provided, single submitter. Criteria: LabCorp Variant Classification Summary - May 2015. Collection method: clinical testing. Allele origin: germline.
Comment: Variant summary: SHQ1 c.648T>A (p.Asn216Lys) results in a non-conservative amino acid change in the encoded protein sequence. Algorithms developed to predict the effect of missense changes on protein structure and function are either unavailable or do not agree on the potential impact of this missense change. The variant allele was found at a frequency of 2.4e-05 in 249832 control chromosomes. The available data on variant occurrences in the general population are insufficient to allow any conclusion about variant significance. To our knowledge, no occurrence of c.648T>A in individuals affected with SHQ1-related conditions and no experimental evidence demonstrating its impact on protein function have been reported. No submitters have cited clinical-significance assessments for this variant to ClinVar. Based on the evidence outlined above, the variant was classified as uncertain significance.

NM_018130.3(SHQ1):c.648T>A (p.Asn216Lys)

Gene: SHQ1 (SHQ1, H/ACA ribonucleoprotein assembly factor; minus strand). Cytogenetic location: 3p13.
Variant type: single nucleotide variant.
Coding change: c.648T>A on transcript NM_018130.3 (MANE Select); coding-DNA position 648, T replaced by A.
Protein change: p.Asn216Lys; replaces asparagine 216 with lysine.
Molecular consequence: missense variant.
Genome position (GRCh38, 1-based): chr3:72,824,503, A>T on the plus strand (T>A on the coding strand, the complement: SHQ1 is on the minus strand). VCF-style: chr3-72824503-A-T. GRCh37 (hg19) VCF-style: chr3-72873654-A-T.
Other names: short protein forms N216K.
Identifiers: ClinVar variation 4687300 (VCV004687300.1).